The following is an entry in ClinVar:

NM_003412.4(ZIC1):c.702G>T (p.Gln234His)

Gene: ZIC1 (Zic family zinc finger 1; plus strand). Cytogenetic location: 3q24.
Variant type: single nucleotide variant.
Coding change: c.702G>T on transcript NM_003412.4 (MANE Select); coding-DNA position 702, G replaced by T.
Protein change: p.Gln234His; replaces glutamine 234 with histidine.
Molecular consequence: missense variant.
Genome position (GRCh38, 1-based): chr3:147,410,814, G>T. VCF-style: chr3-147410814-G-T. GRCh37 (hg19) VCF-style: chr3-147128601-G-T.
Other names: short protein forms Q234H.
Identifiers: ClinVar variation 3643438 (VCV003643438.2).

ClinVar aggregate classification (germline): Uncertain significance (1 of 4 stars; one submission).

gnomAD v4.1: 4 of 1,614,278 alleles (0.00025%); highest among the groups gnomAD compares: South Asian, 0.0044%; no homozygotes.

Submission:

Labcorp Genetics (formerly Invitae), Labcorp
Classification: Uncertain significance. Last evaluated: 2025-02-06. Review status: criteria provided, single submitter. Criteria: Invitae Variant Classification Sherloc (09022015). Collection method: clinical testing. Allele origin: germline.
Comment: This sequence change replaces glutamine, which is neutral and polar, with histidine, which is basic and polar, at codon 234 of the ZIC1 protein (p.Gln234His). This variant is present in population databases (rs756997628, gnomAD 0.006%). This variant has not been reported in the literature in individuals affected with ZIC1-related conditions. Invitae Evidence Modeling of protein sequence and biophysical properties (such as structural, functional, and spatial information, amino acid conservation, physicochemical variation, residue mobility, and thermodynamic stability) indicates that this missense variant is not expected to disrupt ZIC1 protein function with a negative predictive value of 80%. In summary, the available evidence is currently insufficient to determine the role of this variant in disease. Therefore, it has been classified as a Variant of Uncertain Significance.